The following is an entry in ClinVar:

NM_000203.5(IDUA):c.1023_1026del (p.Pro342fs)

Gene: IDUA (alpha-L-iduronidase; plus strand). Cytogenetic location: 4p16.3.
Variant type: Deletion.
Coding change: c.1023_1026del on transcript NM_000203.5 (MANE Select); coding-DNA positions 1023 to 1026, 4 bases deleted (CCCC; older notation c.1023_1026delCCCC).
Protein change: p.Pro342fs; shifts the reading frame from proline 342.
Molecular consequence: frameshift variant. On other transcripts: non-coding transcript variant (1).
Genome position (GRCh38, 1-based): chr4:1,002,319-1,002,322, CCCC deleted. VCF-style (leftmost placement, unchanged base first): chr4-1002318-TCCCC-T. GRCh37 (hg19) VCF-style: chr4-996106-TCCCC-T.
Other names: c.627_630del, p.Pro210fs (NM_001363576.1); short protein forms P210fs, P342fs.
Identifiers: ClinVar variation 2690625 (VCV002690625.5), dbSNP rs2534089112, ClinGen allele CA2697557040.
Genomic context (GRCh38, chr4:1,002,318, plus strand): 5'-GACACCCGCAGGTCATCGCGCAGCATCAGAACCTGCTACTGGCCAACACCACCTCCGCCT[TCCCC>T]TACGCGCTCCTGAGCAACGACAATGCCTTCCTGAGCTACCACCCGCACCCCTTCGCGCAG-3'

ClinVar aggregate classification (germline): Pathogenic/Likely pathogenic. Review status: criteria provided, multiple submitters, no conflicts (2 of 4 stars). 2 submissions from 2 submitters: Pathogenic (1); Likely pathogenic (1). Last evaluated 2023-06-10.

Conditions:
Mucopolysaccharidosis type 1. Also called: Mucopolysaccharidosis Type I; IDUA deficiency; MPS I. Identifiers: Orphanet 579, MedGen C0023786, MONDO:0001586.

Submissions (2):

Labcorp Genetics (formerly Invitae), Labcorp
Classification: Pathogenic for Mucopolysaccharidosis type 1. Last evaluated: 2023-06-10. Review status: criteria provided, single submitter. Criteria: Invitae Variant Classification Sherloc (09022015). Collection method: clinical testing. Allele origin: germline.
Comment: For these reasons, this variant has been classified as Pathogenic. This variant has not been reported in the literature in individuals affected with IDUA-related conditions. This variant is not present in population databases (gnomAD no frequency). This sequence change creates a premature translational stop signal (p.Pro342Thrfs*4) in the IDUA gene. It is expected to result in an absent or disrupted protein product. Loss-of-function variants in IDUA are known to be pathogenic (PMID: 11735025, 21480867).

Revvity Omics, Revvity
Classification: Likely pathogenic. Last evaluated: 2023-03-23. Review status: criteria provided, single submitter. Criteria: ACMG Guidelines, 2015. Collection method: clinical testing. Allele origin: germline.

Literature cited by the submitters: PubMed 11735025 (cited by Labcorp Genetics (formerly Invitae), Labcorp); PubMed 21480867 (cited by Labcorp Genetics (formerly Invitae), Labcorp).